The following is an entry in ClinVar:

NM_003047.5(SLC9A1):c.1283-2A>G

Genes: SLC9A1 (solute carrier family 9 member A1; minus strand), LOC126805673 (MED14-independent group 3 enhancer GRCh37_chr1:27431568-27432767; plus strand). Cytogenetic location: 1p36.11.
Variant type: single nucleotide variant.
Coding change: c.1283-2A>G on transcript NM_003047.5 (MANE Select); the canonical splice acceptor site of the intron before coding-DNA position 1283, A replaced by G.
Molecular consequence: splice acceptor variant.
Genome position (GRCh38, 1-based): chr1:27,106,089, T>C on the plus strand (A>G on the coding strand, the complement: SLC9A1 is on the minus strand). VCF-style: chr1-27106089-T-C. GRCh37 (hg19) VCF-style: chr1-27432580-T-C.
Identifiers: ClinVar variation 2503172 (VCV002503172.1), dbSNP rs2523121140, ClinGen allele CA339185512.

ClinVar aggregate classification (germline): Uncertain significance (1 of 4 stars; one submission).

Submission:

GeneDx
Classification: Uncertain significance. Last evaluated: 2022-11-27. Review status: criteria provided, single submitter. Criteria: GeneDx Variant Classification Process June 2021. Collection method: clinical testing. Allele origin: germline. Affected: yes.
Comment: Not observed at significant frequency in large population cohorts (gnomAD); Canonical splice site variant predicted to result in a null allele in a gene for which loss of function is not a known mechanism of disease; Has not been previously published as pathogenic or benign to our knowledge